The following is an entry in ClinVar:

NM_024854.5(PYROXD1):c.483G>T (p.Glu161Asp)

Gene: PYROXD1 (pyridine nucleotide-disulphide oxidoreductase domain 1; plus strand). Cytogenetic location: 12p12.1.
Variant type: single nucleotide variant.
Coding change: c.483G>T on transcript NM_024854.5 (MANE Select); coding-DNA position 483, G replaced by T.
Protein change: p.Glu161Asp; replaces glutamic acid 161 with aspartic acid.
Molecular consequence: missense variant. On other transcripts: intron variant (1).
Genome position (GRCh38, 1-based): chr12:21,452,149, G>T. VCF-style: chr12-21452149-G-T. GRCh37 (hg19) VCF-style: chr12-21605083-G-T.
Other names: c.270G>T, p.Glu90Asp (NM_001350912.2); c.-290+2458G>T (NM_001350913.2); short protein forms E90D, E161D.
Identifiers: ClinVar variation 2112952 (VCV002112952.2), dbSNP rs1470357243, ClinGen allele CA384107436.

ClinVar aggregate classification (germline): Uncertain significance (1 of 4 stars; one submission).

Allele frequency attached by ClinVar (database versions not stated): gnomAD 0.00001; TOPMed 0.00001.
gnomAD v4.1: 2 of 1,544,760 alleles (0.00013%); highest among the groups gnomAD compares: Non-Finnish European, 0.00018%; no homozygotes.

Submission:

Labcorp Genetics (formerly Invitae), Labcorp
Classification: Uncertain significance. Last evaluated: 2022-04-28. Review status: criteria provided, single submitter. Criteria: Invitae Variant Classification Sherloc (09022015). Collection method: clinical testing. Allele origin: germline.
Comment: This sequence change replaces glutamic acid, which is acidic and polar, with aspartic acid, which is acidic and polar, at codon 161 of the PYROXD1 protein (p.Glu161Asp). This variant is not present in population databases (gnomAD no frequency). This variant has not been reported in the literature in individuals affected with PYROXD1-related conditions. Algorithms developed to predict the effect of missense changes on protein structure and function are either unavailable or do not agree on the potential impact of this missense change (SIFT: "Deleterious"; PolyPhen-2: "Possibly Damaging"; Align-GVGD: "Class C0"). In summary, the available evidence is currently insufficient to determine the role of this variant in disease. Therefore, it has been classified as a Variant of Uncertain Significance.